The following is an entry in ClinVar:

ClinVar aggregate classification (germline): Uncertain significance (1 of 4 stars; one submission).

Conditions:
Jeune thoracic dystrophy. Also called: Short-rib thoracic dysplasia; Jeune syndrome; Infantile thoracic dystrophy; Thoracic pelvic phalangeal dystrophy; Jeune's syndrome; Chondroectodermal dysplasia-like syndrome. Identifiers: Orphanet 474, MedGen C0265275, MONDO:0018770.

Submission:

Labcorp Genetics (formerly Invitae), Labcorp
Classification: Uncertain significance for Jeune thoracic dystrophy. Last evaluated: 2022-08-15. Review status: criteria provided, single submitter. Criteria: Invitae Variant Classification Sherloc (09022015). Collection method: clinical testing. Allele origin: germline.
Comment: In summary, the available evidence is currently insufficient to determine the role of this variant in disease. Therefore, it has been classified as a Variant of Uncertain Significance. Experimental studies and prediction algorithms are not available or were not evaluated, and the functional significance of this variant is currently unknown. This variant has not been reported in the literature in individuals affected with IFT80-related conditions. This variant results in a copy number gain of the genomic region encompassing exon(s) 7-20 of the IFT80 gene. This region includes the termination codon of the gene. This copy number gain extends beyond the assayed region for this gene and therefore may encompass additional genes. As the precise location of this event is unknown, it may be in tandem or it may be located elsewhere in the genome.

NC_000003.11:g.(?_159976313)_(160075386_?)dup

Gene: IFT80 (intraflagellar transport 80; minus strand). Cytogenetic location: 3q25.33.
Variant type: Duplication.
Identifiers: ClinVar variation 2426601 (VCV002426601.3).